The following is an entry in ClinVar:

ClinVar aggregate classification (germline): Uncertain significance (1 of 4 stars; one submission).

Conditions:
Hereditary cancer-predisposing syndrome. Also called: Hereditary Cancer Syndrome; Neoplastic Syndromes, Hereditary; Tumor predisposition; Hereditary neoplastic syndrome. Identifiers: Orphanet 140162, MedGen C0027672, MeSH D009386, MONDO:0015356.

Submission:

Ambry Genetics
Classification: Uncertain significance for Hereditary cancer-predisposing syndrome. Last evaluated: 2020-06-09. Review status: criteria provided, single submitter. Criteria: Ambry Variant Classification Scheme 2023. Collection method: clinical testing. Allele origin: germline.
Comment: The p.R1671S variant (also known as c.5011C>A), located in coding exon 35 of the SMARCA4 gene, results from a C to A substitution at nucleotide position 5011. The arginine at codon 1671 is replaced by serine, an amino acid with dissimilar properties. This amino acid position is highly conserved in available vertebrate species. In addition, the in silico prediction for this alteration is inconclusive. Since supporting evidence is limited at this time, the clinical significance of this alteration remains unclear.

NM_003072.5(SMARCA4):c.4915C>A (p.Arg1639Ser)

Gene: SMARCA4 (SWI/SNF related BAF chromatin remodeling complex subunit ATPase 4; plus strand). Cytogenetic location: 19p13.2.
Variant type: single nucleotide variant.
Coding change: c.4915C>A on transcript NM_003072.5 (MANE Select); coding-DNA position 4915, C replaced by A.
Protein change: p.Arg1639Ser; replaces arginine 1639 with serine.
Molecular consequence: missense variant. On other transcripts: non-coding transcript variant (1).
Genome position (GRCh38, 1-based): chr19:11,061,787, C>A. VCF-style: chr19-11061787-C-A. GRCh37 (hg19) VCF-style: chr19-11172463-C-A.
Other names: c.4915C>A, p.Arg1639Ser (NM_001128844.3); c.4825C>A, p.Arg1609Ser (NM_001128845.2); c.4822C>A, p.Arg1608Ser (NM_001128846.2); c.4816C>A, p.Arg1606Ser (NM_001128847.4, NM_001374457.1); c.4813C>A, p.Arg1605Ser (NM_001128848.2); c.5011C>A, p.Arg1671Ser (NM_001128849.3, NM_001387283.1); c.4912C>A, p.Arg1638Ser (NM_001411150.1); short protein forms R1608S, R1671S, R1605S, R1606S, R1639S, R1638S, R1609S.
Identifiers: ClinVar variation 1744766 (VCV001744766.2), dbSNP rs776222414, ClinGen allele CA404081796.